The following is an entry in ClinVar:

ClinVar aggregate classification (germline): Benign/Likely benign. Review status: criteria provided, multiple submitters, no conflicts (2 of 4 stars). 5 submissions from 5 submitters: Benign (2); Likely benign (3). Last evaluated 2026-01-14.

Conditions:
Propionic acidemia (PROP). Also called: GLYCINEMIA, KETOTIC; HYPERGLYCINEMIA WITH KETOACIDOSIS AND LEUKOPENIA; KETOTIC HYPERGLYCINEMIA. Identifiers: Orphanet 35, MedGen C0268579, MONDO:0011628, OMIM 606054, HP:0003571.

Allele frequency attached by ClinVar (database versions not stated): gnomAD 0.00013; TOPMed 0.00022; 1000 Genomes Project 30x 0.00265; 1000 Genomes Project 0.00319.
gnomAD v4.1: 932 of 1,522,960 alleles (0.061%); highest among the groups gnomAD compares: East Asian, 2.3%; 17 homozygotes.

Submissions (5):

Labcorp Genetics (formerly Invitae), Labcorp
Classification: Benign for Propionic acidemia. Last evaluated: 2026-01-14. Review status: criteria provided, single submitter. Criteria: Invitae Variant Classification Sherloc (09022015). Collection method: clinical testing. Allele origin: germline.

Blueprint Genetics
Classification: Likely benign. Last evaluated: 2024-10-25. Review status: criteria provided, single submitter. Criteria: ACMG Guidelines, 2015. Collection method: clinical testing. Allele origin: germline.

GeneDx
Classification: Likely benign. Last evaluated: 2018-11-29. Review status: criteria provided, single submitter. Criteria: GeneDx Variant Classification Process June 2021. Collection method: clinical testing. Allele origin: germline. Affected: yes.

Illumina Laboratory Services, Illumina
Classification: Likely benign for Propionic acidemia. Last evaluated: 2018-01-12. Review status: criteria provided, single submitter. Criteria: ICSL Variant Classification Criteria 13 December 2019. Collection method: clinical testing. Allele origin: germline.
Comment: This variant was observed in the ICSL laboratory as part of a predisposition screen in an ostensibly healthy population. It had not been previously curated by ICSL or reported in the Human Gene Mutation Database (HGMD: prior to June 1st, 2018), and was therefore a candidate for classification through an automated scoring system. Utilizing variant allele frequency, disease prevalence and penetrance estimates, and inheritance mode, an automated score was calculated to assess if this variant is too frequent to cause the disease. Based on the score and internal cut-off values, a variant classified as likely benign is not then subjected to further curation. The score for this variant resulted in a classification of likely benign for this disease.

PreventionGenetics, part of Exact Sciences
Classification: Benign. Review status: criteria provided, single submitter. Criteria: ACMG Guidelines, 2015. Collection method: clinical testing. Allele origin: germline.

NM_000282.4(PCCA):c.24A>G (p.Thr8=)

Gene: PCCA (propionyl-CoA carboxylase subunit alpha; plus strand). Cytogenetic location: 13q32.3.
Variant type: single nucleotide variant.
Coding change: c.24A>G on transcript NM_000282.4 (MANE Select); coding-DNA position 24, A replaced by G.
Protein change: p.Thr8=; no amino-acid change (threonine 8 retained).
Molecular consequence: synonymous variant. On other transcripts: 5 prime UTR variant (3), non-coding transcript variant (5).
Genome position (GRCh38, 1-based): chr13:100,089,144, A>G. VCF-style: chr13-100089144-A-G. GRCh37 (hg19) VCF-style: chr13-100741398-A-G.
Other names: c.24A>G, p.Thr8= (NM_001127692.3, NM_001178004.2, NM_001352605.2 and 4 more transcripts); c.-843A>G (NM_001352610.2, NM_001352611.2, NM_001352612.2).
Identifiers: ClinVar variation 255736 (VCV000255736.18), dbSNP rs117397004, ClinGen allele CA7033062.
Genomic context (GRCh38, chr13:100,089,144, plus strand): 5'-TGAGAGGTCAGCAGAGGGGCGGTCTGCGGGGACAACAATGGCGGGGTTCTGGGTCGGGAC[A>G]GCACCGCTGGTCGCTGCCGGACGGCGTGGGCGGTGGCCGCCGCAGCAGCTGATGCTGAGC-3'
Protein context (NP_000273.2, residues 1-18): MAGFWVG[Thr8=]APLVAAGRRG